The following is an entry in ClinVar:

NM_000463.3(UGT1A1):c.45G>C (p.Leu15=)

Genes: UGT1A (UDP glucuronosyltransferase family 1 member A complex locus; plus strand), UGT1A1 (UDP glucuronosyltransferase family 1 member A1; plus strand), UGT1A10 (UDP glucuronosyltransferase family 1 member A10; plus strand), UGT1A3 (UDP glucuronosyltransferase family 1 member A3; plus strand), UGT1A4 (UDP glucuronosyltransferase family 1 member A4; plus strand) and 5 more. Cytogenetic location: 2q37.1.
Variant type: single nucleotide variant.
Coding change: c.45G>C on transcript NM_000463.3 (MANE Select); coding-DNA position 45, G replaced by C.
Protein change: p.Leu15=; no amino-acid change (leucine 15 retained).
Molecular consequence: synonymous variant. On other transcripts: intron variant (9).
Genome position (GRCh38, 1-based): chr2:233,760,332, G>C. VCF-style: chr2-233760332-G-C. GRCh37 (hg19) VCF-style: chr2-234668978-G-C.
Other names: c.856-6702G>C (NM_019076.5, NM_019075.4, NM_021027.3 and 1 more transcripts); c.61-6702G>C (NM_205862.3); c.862-6702G>C (NM_001072.4); c.868-6702G>C (NM_019078.2, NM_007120.3, NM_019093.4).
Identifiers: ClinVar variation 3030595 (VCV003030595.2), dbSNP rs1697406226, ClinGen allele CA431959872.
Genomic context (GRCh38, chr2:233,760,332, plus strand): 5'-CAGGAGCAAAGGCGCCATGGCTGTGGAGTCCCAGGGCGGACGCCCACTTGTCCTGGGCCT[G>C]CTGCTGTGTGTGCTGGGCCCAGTGGTGTCCCATGCTGGGAAGATACTGTTGATCCCAGTG-3'
Protein context (NP_000454.1, residues 5-25): SQGGRPLVLG[Leu15=]LLCVLGPVVS

ClinVar aggregate classification (germline): Likely benign (0 of 4 stars; one submission).

Conditions:
UGT1A1-related disorder. Also called: UGT1A1-related condition; UGT1A1-related disorders.

Allele frequency attached by ClinVar (database versions not stated): gnomAD 0.00001.
gnomAD v4.1: 1 of 1,613,946 alleles (0.000062%); highest among the groups gnomAD compares: African/African-American, 0.0013%; no homozygotes.

Submission:

PreventionGenetics, part of Exact Sciences
Classification: Likely benign for UGT1A1-related condition. Last evaluated: 2021-03-04. Review status: no assertion criteria provided. Collection method: clinical testing. Allele origin: germline.
Comment: This variant is classified as likely benign based on ACMG/AMP sequence variant interpretation guidelines (Richards et al. 2015 PMID: 25741868, with internal and published modifications).